The following is an entry in ClinVar:

NM_001378418.1(TCF20):c.5825_5826del (p.Pro1942fs)

Gene: TCF20 (transcription factor 20; minus strand). Cytogenetic location: 22q13.2.
Variant type: Deletion.
Coding change: c.5825_5826del on transcript NM_001378418.1 (MANE Select); coding-DNA positions 5825 to 5826, 2 bases deleted (CC; older notation c.5825_5826delCC).
Protein change: p.Pro1942fs; shifts the reading frame from proline 1942.
Molecular consequence: frameshift variant. On other transcripts: intron variant (1).
Genome position (GRCh38, 1-based): chr22:42,168,710-42,168,711, GG deleted on the plus strand (CC on the coding strand, the reverse complement: TCF20 is on the minus strand); deleting any 2 consecutive bases within chr22:42,168,710-42,168,716 gives the same sequence; the c. name uses the placement nearest the transcript's 3' end. VCF-style (leftmost placement, unchanged base first): chr22-42168709-AGG-A. GRCh37 (hg19) VCF-style: chr22-42564715-AGG-A.
Other names: c.5825_5826del, p.Pro1942fs (NM_005650.4); c.5799+1136_5799+1137del (NM_181492.3); short protein forms P1942fs.
Identifiers: ClinVar variation 2574818 (VCV002574818.1), dbSNP rs756457255, ClinGen allele CA2406601427.
Genomic context (GRCh38, chr22:42,168,709, plus strand): 5'-CCCCTCACCCCCGCTCCGACTGCTCTGTGCTGAGGCTGCCTTTCGCGGTCTTGTTCTGCA[AGG>A]GGGGGAGAGGGCACGGAAGGGGAGGCTGACACGGGCAAAACCAAGAGGAGACAGACAGGT-3'

ClinVar aggregate classification (germline): Uncertain significance (1 of 4 stars; one submission).

Submission:

GeneDx
Classification: Uncertain significance. Last evaluated: 2023-02-01. Review status: criteria provided, single submitter. Criteria: GeneDx Variant Classification Process June 2021. Collection method: clinical testing. Allele origin: germline. Affected: yes.
Comment: Not observed at significant frequency in large population cohorts (gnomAD); Frameshift variant predicted to result in protein elongation as the last 19 amino acids are replaced with 39 different amino acids; Has not been previously published as pathogenic or benign to our knowledge